The following is an entry in ClinVar:

NM_004304.5(ALK):c.2795G>A (p.Gly932Glu)

Gene: ALK (ALK receptor tyrosine kinase; minus strand). Cytogenetic location: 2p23.2.
Variant type: single nucleotide variant.
Coding change: c.2795G>A on transcript NM_004304.5 (MANE Select); coding-DNA position 2795, G replaced by A.
Protein change: p.Gly932Glu; replaces glycine 932 with glutamic acid.
Molecular consequence: missense variant.
Genome position (GRCh38, 1-based): chr2:29,228,904, C>T on the plus strand (G>A on the coding strand, the complement: ALK is on the minus strand). VCF-style: chr2-29228904-C-T. GRCh37 (hg19) VCF-style: chr2-29451770-C-T.
Other names: short protein forms G932E.
Identifiers: ClinVar variation 3723297 (VCV003723297.2).

ClinVar aggregate classification (germline): Uncertain significance (1 of 4 stars; one submission).

Conditions:
Neuroblastoma, susceptibility to, 3. Also called: ALK-Related Neuroblastic Tumor Susceptibility. Identifiers: Orphanet 635, MedGen C2751681, MONDO:0013083, OMIM 613014.

Submission:

Labcorp Genetics (formerly Invitae), Labcorp
Classification: Uncertain significance for Neuroblastoma, susceptibility to, 3. Last evaluated: 2024-10-20. Review status: criteria provided, single submitter. Criteria: Invitae Variant Classification Sherloc (09022015). Collection method: clinical testing. Allele origin: germline.
Comment: This sequence change replaces glycine, which is neutral and non-polar, with glutamic acid, which is acidic and polar, at codon 932 of the ALK protein (p.Gly932Glu). This variant is not present in population databases (gnomAD no frequency). This variant has not been reported in the literature in individuals affected with ALK-related conditions. An algorithm developed to predict the effect of missense changes on protein structure and function (PolyPhen-2) suggests that this variant is likely to be disruptive. In summary, the available evidence is currently insufficient to determine the role of this variant in disease. Therefore, it has been classified as a Variant of Uncertain Significance.